The following is an entry in ClinVar:

NM_004655.4(AXIN2):c.1389_1390insCCTCGC (p.Pro462_Arg463dup)

Gene: AXIN2 (axin 2; minus strand). Cytogenetic location: 17q24.1.
Variant type: Insertion.
Coding change: c.1389_1390insCCTCGC on transcript NM_004655.4 (MANE Select); coding-DNA positions 1389 to 1390, CCTCGC inserted.
Protein change: p.Pro462_Arg463dup.
Molecular consequence: inframe insertion.
Genome position: GRCh38 VCF-style: chr17-65537646-A-AGCGAGG. GRCh37 (hg19) VCF-style: chr17-63533764-A-AGCGAGG.
Other names: c.1389_1390insCCTCGC, p.Pro462_Arg463dup (NM_001363813.1); c.1389_1390insCCTCGC (LRG_296t1).
Identifiers: ClinVar variation 419314 (VCV000419314.11), dbSNP rs1064793787, ClinGen allele CA16620571.

ClinVar aggregate classification (germline): Uncertain significance. Review status: criteria provided, multiple submitters, no conflicts (2 of 4 stars). 2 submissions from 2 submitters: Uncertain significance (2). Last evaluated 2024-11-26.

Conditions:
Oligodontia-cancer predisposition syndrome. Also called: TOOTH AGENESIS-COLORECTAL CANCER SYNDROME. Identifiers: Orphanet 300576, MedGen C1837750, MONDO:0012075, OMIM 608615. Disease mechanism: loss of function.

Submissions (2):

Labcorp Genetics (formerly Invitae), Labcorp
Classification: Uncertain significance for Oligodontia-cancer predisposition syndrome. Last evaluated: 2024-11-26. Review status: criteria provided, single submitter. Criteria: Invitae Variant Classification Sherloc (09022015). Collection method: clinical testing. Allele origin: germline.
Comment: This variant, c.1389_1390insCCTCGC, results in the insertion of 2 amino acid(s) of the AXIN2 protein (p.Pro462_Arg463dup), but otherwise preserves the integrity of the reading frame. This variant is not present in population databases (gnomAD no frequency). This variant has not been reported in the literature in individuals affected with AXIN2-related conditions. ClinVar contains an entry for this variant (Variation ID: 419314). Experimental studies and prediction algorithms are not available or were not evaluated, and the functional significance of this variant is currently unknown. In summary, the available evidence is currently insufficient to determine the role of this variant in disease. Therefore, it has been classified as a Variant of Uncertain Significance.

GeneDx
Classification: Uncertain significance. Last evaluated: 2015-06-23. Review status: criteria provided, single submitter. Criteria: GeneDx Variant Classification (06012015). Collection method: clinical testing. Allele origin: germline. Affected: yes.
Comment: The reference sequence, with the bases that are inserted in braces, is CCGC[CCTCGC]TCCC. Therefore, the variant in this individual is denoted c.1389_1390insCCTCGC at the cDNA level and p.Pro462_R463dup (P462_R463dup) at the protein level. This in frame insertion occurs in a region which is conserved and is located within the region of interaction with beta-catenin (Uniprot). This variant has not, to our knowledge, been published in the literature as pathogenic or benign. Since in frame insertions may or may not inhibit proper protein functioning, the clinical significance of this finding remains unclear at this time and we consider AXIN2 Pro462_R463dup to be a variant of uncertain significance.